The following is an entry in ClinVar:

ClinVar aggregate classification (germline): Uncertain significance (1 of 4 stars; one submission).

Conditions:
Hereditary cancer-predisposing syndrome. Also called: Tumor predisposition; Hereditary neoplastic syndrome; Hereditary Cancer Syndrome; Neoplastic Syndromes, Hereditary. Identifiers: Orphanet 140162, MedGen C0027672, MeSH D009386, MONDO:0015356.

Submission:

Ambry Genetics
Classification: Uncertain significance for Hereditary cancer-predisposing syndrome. Last evaluated: 2025-05-19. Review status: criteria provided, single submitter. Criteria: Ambry Variant Classification Scheme 2023. Collection method: clinical testing. Allele origin: germline.
Comment: The p.L535F variant (also known as c.1605G>C), located in coding exon 10 of the PDGFRA gene, results from a G to C substitution at nucleotide position 1605. The leucine at codon 535 is replaced by phenylalanine, an amino acid with highly similar properties. This amino acid position is conserved. In addition, the in silico prediction for this alteration is inconclusive. Based on the available evidence, the clinical significance of this variant remains unclear.

NM_006206.6(PDGFRA):c.1605G>C (p.Leu535Phe)

Gene: PDGFRA (platelet derived growth factor receptor alpha; plus strand). Cytogenetic location: 4q12.
Variant type: single nucleotide variant.
Coding change: c.1605G>C on transcript NM_006206.6 (MANE Select); coding-DNA position 1605, G replaced by C.
Protein change: p.Leu535Phe; replaces leucine 535 with phenylalanine.
Molecular consequence: missense variant.
Genome position (GRCh38, 1-based): chr4:54,274,577, G>C. VCF-style: chr4-54274577-G-C. GRCh37 (hg19) VCF-style: chr4-55140744-G-C.
Other names: c.1605G>C, p.Leu535Phe (NM_001347827.2, NM_001347829.2); c.1680G>C, p.Leu560Phe (NM_001347828.2); c.1644G>C, p.Leu548Phe (NM_001347830.2); short protein forms L548F, L560F, L535F.
Identifiers: ClinVar variation 3930225 (VCV003930225.1).